The following is an entry in ClinVar:

NM_025265.4(TSEN2):c.961-3T>C

Gene: TSEN2 (tRNA splicing endonuclease subunit 2; plus strand). Cytogenetic location: 3p25.2.
Variant type: single nucleotide variant.
Coding change: c.961-3T>C on transcript NM_025265.4 (MANE Select); 3 bases into the intron before coding-DNA position 961, T replaced by C.
Molecular consequence: intron variant.
Genome position (GRCh38, 1-based): chr3:12,519,056, T>C. VCF-style: chr3-12519056-T-C. GRCh37 (hg19) VCF-style: chr3-12560555-T-C.
Other names: c.961-3T>C (NM_001321278.2, NM_001145392.2, NM_001321277.2); c.883-3T>C (NM_001321279.2, NM_001145393.3); c.784-3T>C (NM_001145394.2).
Identifiers: ClinVar variation 1408881 (VCV001408881.5), dbSNP rs377012054, ClinGen allele CA2258678.

ClinVar aggregate classification (germline): Uncertain significance (1 of 4 stars; one submission).

Allele frequency attached by ClinVar (database versions not stated): ExAC 0.00004; gnomAD exomes 0.00005 and 0.00023; gnomAD 0.00007 and 0.00009; ESP Exome Variant Server 0.00008; TOPMed 0.00009.
gnomAD v4.1: 339 of 1,614,074 alleles (0.021%); highest among the groups gnomAD compares: Non-Finnish European, 0.028%; no homozygotes.

Submission:

Labcorp Genetics (formerly Invitae), Labcorp
Classification: Uncertain significance. Last evaluated: 2022-08-15. Review status: criteria provided, single submitter. Criteria: Invitae Variant Classification Sherloc (09022015). Collection method: clinical testing. Allele origin: germline.
Comment: This sequence change falls in intron 7 of the TSEN2 gene. It does not directly change the encoded amino acid sequence of the TSEN2 protein. It affects a nucleotide within the consensus splice site. This variant is present in population databases (rs377012054, gnomAD 0.01%). In summary, the available evidence is currently insufficient to determine the role of this variant in disease. Therefore, it has been classified as a Variant of Uncertain Significance. This variant has not been reported in the literature in individuals affected with TSEN2-related conditions. ClinVar contains an entry for this variant (Variation ID: 1408881). Variants that disrupt the consensus splice site are a relatively common cause of aberrant splicing (PMID: 17576681, 9536098). Algorithms developed to predict the effect of sequence changes on RNA splicing suggest that this variant is not likely to affect RNA splicing.

Literature cited by the submitters: PubMed 17576681; PubMed 9536098.